The following is an entry in ClinVar:

ClinVar aggregate classification (germline): Uncertain significance. Review status: criteria provided, multiple submitters, no conflicts (2 of 4 stars). 3 submissions from 3 submitters: Uncertain significance (3). Last evaluated 2023-08-01.

Conditions:
Fanconi anemia (FA). Also called: Fanconi's anemia. Identifiers: Orphanet 84, MedGen C0015625, MeSH D005199, MONDO:0019391.

Allele frequency attached by ClinVar (database versions not stated): TOPMed below 0.00001; gnomAD 0.00001; gnomAD exomes 0.00001 and 0.00002; ExAC 0.00003.
gnomAD v4.1: 20 of 1,613,576 alleles (0.0012%); highest among the groups gnomAD compares: African/African-American, 0.0053%; no homozygotes.

Submissions (3):

Labcorp Genetics (formerly Invitae), Labcorp
Classification: Uncertain significance for Fanconi anemia. Last evaluated: 2023-08-01. Review status: criteria provided, single submitter. Criteria: Invitae Variant Classification Sherloc (09022015). Collection method: clinical testing. Allele origin: germline.
Comment: In summary, the available evidence is currently insufficient to determine the role of this variant in disease. Therefore, it has been classified as a Variant of Uncertain Significance. An algorithm developed to predict the effect of missense changes on protein structure and function (PolyPhen-2) suggests that this variant is likely to be disruptive. ClinVar contains an entry for this variant (Variation ID: 501955). This variant has not been reported in the literature in individuals affected with SLX4-related conditions. This variant is present in population databases (rs750580998, gnomAD 0.008%). This sequence change replaces serine, which is neutral and polar, with leucine, which is neutral and non-polar, at codon 1254 of the SLX4 protein (p.Ser1254Leu).

Sema4
Classification: Uncertain significance for Fanconi anemia. Last evaluated: 2021-08-17. Review status: criteria provided, single submitter. Criteria: Sema4 Curation Guidelines. Collection method: curation. Allele origin: germline.
Comment: The SLX4 c.3761C>T (p.S1254L) variant has not been reported in the literature to our knowledge. It was observed in 2/24670 chromosomes of the African/African American subpopulation in the large and broad cohorts of the Genome Aggregation Database (PMID: 32461654). The variant has been reported in ClinVar (Variation ID 501955). Functional studies have not been performed, and in silico predictions of the variant's effect on protein function are inconclusive. The evidence is insufficient to meet ACMG/AMP criteria for classifying the variant as benign or pathogenic. Thus, the clinical significance of this variant is currently uncertain.

Eurofins Ntd Llc (ga)
Classification: Uncertain significance. Last evaluated: 2017-05-09. Review status: criteria provided, single submitter. Criteria: EGL Classification Definitions 2015. Collection method: clinical testing. Allele origin: germline. Observed: 1 variant allele, 1 heterozygote.

NM_032444.4(SLX4):c.3761C>T (p.Ser1254Leu)

Gene: SLX4 (SLX4 structure-specific endonuclease subunit; minus strand). Cytogenetic location: 16p13.3.
Variant type: single nucleotide variant.
Coding change: c.3761C>T on transcript NM_032444.4 (MANE Select); coding-DNA position 3761, C replaced by T.
Protein change: p.Ser1254Leu; replaces serine 1254 with leucine.
Molecular consequence: missense variant.
Genome position (GRCh38, 1-based): chr16:3,589,877, G>A on the plus strand (C>T on the coding strand, the complement: SLX4 is on the minus strand). VCF-style: chr16-3589877-G-A. GRCh37 (hg19) VCF-style: chr16-3639878-G-A.
Other names: short protein forms S1254L.
Identifiers: ClinVar variation 501955 (VCV000501955.13), dbSNP rs750580998, ClinGen allele CA7865844.